The following is an entry in ClinVar:

NM_001252024.2(TRPM1):c.1872C>G (p.Asp624Glu)

Gene: TRPM1 (transient receptor potential cation channel subfamily M member 1; minus strand). Cytogenetic location: 15q13.3.
Variant type: single nucleotide variant.
Coding change: c.1872C>G on transcript NM_001252024.2 (MANE Select); coding-DNA position 1872, C replaced by G.
Protein change: p.Asp624Glu; replaces aspartic acid 624 with glutamic acid.
Molecular consequence: missense variant.
Genome position (GRCh38, 1-based): chr15:31,042,166, G>C on the plus strand (C>G on the coding strand, the complement: TRPM1 is on the minus strand). VCF-style: chr15-31042166-G-C. GRCh37 (hg19) VCF-style: chr15-31334369-G-C.
Other names: c.1923C>G, p.Asp641Glu (NM_001252020.2); c.1806C>G, p.Asp602Glu (NM_002420.6); short protein forms D602E, D624E, D641E.
Identifiers: ClinVar variation 2803619 (VCV002803619.4), dbSNP rs2504118362, ClinGen allele CA391512557.

ClinVar aggregate classification (germline): Uncertain significance. Review status: criteria provided, multiple submitters, no conflicts (2 of 4 stars). 2 submissions from 2 submitters: Uncertain significance (2). Last evaluated 2022-10-27.

Submissions (2):

Labcorp Genetics (formerly Invitae), Labcorp
Classification: Uncertain significance. Last evaluated: 2022-10-27. Review status: criteria provided, single submitter. Criteria: Invitae Variant Classification Sherloc (09022015). Collection method: clinical testing. Allele origin: germline.
Comment: In summary, the available evidence is currently insufficient to determine the role of this variant in disease. Therefore, it has been classified as a Variant of Uncertain Significance. Advanced modeling of protein sequence and biophysical properties (such as structural, functional, and spatial information, amino acid conservation, physicochemical variation, residue mobility, and thermodynamic stability) performed at Invitae indicates that this missense variant is not expected to disrupt TRPM1 protein function. This variant has not been reported in the literature in individuals affected with TRPM1-related conditions. This variant is not present in population databases (gnomAD no frequency). This sequence change replaces aspartic acid, which is acidic and polar, with glutamic acid, which is acidic and polar, at codon 602 of the TRPM1 protein (p.Asp602Glu).

Blueprint Genetics
Classification: Uncertain significance. Last evaluated: 2019-04-11. Review status: criteria provided, single submitter. Criteria: ACMG Guidelines, 2015. Collection method: clinical testing. Allele origin: germline.